The following is an entry in ClinVar:

NM_017565.4(FAM20A):c.793G>A (p.Ala265Thr)

Genes: FAM20A (FAM20A golgi associated secretory pathway pseudokinase; minus strand), PRKAR1A (protein kinase cAMP-dependent type I regulatory subunit alpha; plus strand). Cytogenetic location: 17q24.2.
Variant type: single nucleotide variant.
Coding change: c.793G>A on transcript NM_017565.4 (MANE Select); coding-DNA position 793, G replaced by A.
Protein change: p.Ala265Thr; replaces alanine 265 with threonine.
Molecular consequence: missense variant. On other transcripts: intron variant (1), non-coding transcript variant (1).
Genome position (GRCh38, 1-based): chr17:68,543,648, C>T on the plus strand (G>A on the coding strand, the complement: FAM20A is on the minus strand). VCF-style: chr17-68543648-C-T. GRCh37 (hg19) VCF-style: chr17-66539789-C-T.
Other names: c.974-7436C>T (NM_001276290.1); c.379G>A, p.Ala127Thr (NM_001243746.2); short protein forms A265T, A127T.
Identifiers: ClinVar variation 3582757 (VCV003582757.1).

ClinVar aggregate classification (germline): Uncertain significance. Review status: criteria provided, multiple submitters, no conflicts (2 of 4 stars). 2 submissions from 2 submitters: Uncertain significance (2). Last evaluated 2025-03-25.

Conditions:
Amelogenesis imperfecta type 1G (AI1G). Also called: AMELOGENESIS IMPERFECTA, TYPE IG; AMELOGENESIS IMPERFECTA, HYPOPLASTIC, AND NEPHROCALCINOSIS; Amelogenesis imperfecta hypoplastic type, IG; Amelogenesis imperfecta and nephrocalcinosis; Amelogenesis imperfecta-gingival hyperplasia syndrome; ENAMEL-RENAL-GINGIVAL SYNDROME. Identifiers: Orphanet 1031, Orphanet 171836, MedGen C2931783, MONDO:0008771, OMIM 204690. Disease mechanism: loss of function.

gnomAD v4.1: 57 of 1,613,890 alleles (0.0035%); highest among the groups gnomAD compares: African/African-American, 0.039%; no homozygotes.

Submissions (2):

Labcorp Genetics (formerly Invitae), Labcorp
Classification: Uncertain significance. Last evaluated: 2025-03-25. Review status: criteria provided, single submitter. Criteria: Invitae Variant Classification Sherloc (09022015). Collection method: clinical testing. Allele origin: germline.
Comment: This sequence change replaces alanine, which is neutral and non-polar, with threonine, which is neutral and polar, at codon 265 of the FAM20A protein (p.Ala265Thr). This variant is present in population databases (rs374500334, gnomAD 0.03%). This variant has not been reported in the literature in individuals affected with FAM20A-related conditions. ClinVar contains an entry for this variant (Variation ID: 3582757). An algorithm developed to predict the effect of missense changes on protein structure and function (PolyPhen-2) suggests that this variant is likely to be disruptive. In summary, the available evidence is currently insufficient to determine the role of this variant in disease. Therefore, it has been classified as a Variant of Uncertain Significance.

Fulgent Genetics
Classification: Uncertain significance for Amelogenesis imperfecta type 1G. Last evaluated: 2024-03-03. Review status: criteria provided, single submitter. Criteria: ACMG Guidelines, 2015. Collection method: clinical testing. Allele origin: germline.